The following is an entry in ClinVar:

NM_005548.3(KARS1):c.1745_1746delinsAG (p.Val582Glu)

Gene: KARS1 (lysyl-tRNA synthetase 1; minus strand). Cytogenetic location: 16q23.1.
Variant type: Indel.
Coding change: c.1745_1746delinsAG on transcript NM_005548.3 (MANE Select); coding-DNA positions 1745 to 1746, TA replaced by AG.
Protein change: p.Val582Glu; replaces valine 582 with glutamic acid.
Molecular consequence: missense variant.
Genome position (GRCh38, 1-based): chr16:75,627,943-75,627,944, TA replaced by CT on the plus strand (TA replaced by AG on the coding strand, the reverse complement: KARS1 is on the minus strand). VCF-style: chr16-75627943-TA-CT. GRCh37 (hg19) VCF-style: chr16-75661841-TA-CT.
Other names: c.1829_1830delTAinsAG, p.Val610Glu (NM_001130089.1); c.1829_1830delinsAG, p.Val610Glu (NM_001130089.2); c.1277_1278delinsAG, p.Val426Glu (NM_001378148.1); c.1829_1830delinsAG (NM_001130089.1); short protein forms V426E, V610E, V582E.
Identifiers: ClinVar variation 1930509 (VCV001930509.3), dbSNP rs2507546972, ClinGen allele CA2580091996.

ClinVar aggregate classification (germline): Uncertain significance. Review status: criteria provided, multiple submitters, no conflicts (2 of 4 stars). 2 submissions from 2 submitters: Uncertain significance (2). Last evaluated 2024-10-23.

Submissions (2):

GeneDx
Classification: Uncertain significance. Last evaluated: 2024-10-23. Review status: criteria provided, single submitter. Criteria: GeneDx Variant Classification Process June 2021. Collection method: clinical testing. Allele origin: germline. Affected: yes.
Comment: In silico analysis indicates that this variant does not alter protein structure/function; Has not been previously published as pathogenic or benign to our knowledge

Labcorp Genetics (formerly Invitae), Labcorp
Classification: Uncertain significance. Last evaluated: 2022-03-14. Review status: criteria provided, single submitter. Criteria: Invitae Variant Classification Sherloc (09022015). Collection method: clinical testing. Allele origin: germline.
Comment: This sequence change replaces valine, which is neutral and non-polar, with glutamic acid, which is acidic and polar, at codon 610 of the KARS protein (p.Val610Glu). The frequency data for this variant in the population databases is considered unreliable, as metrics indicate poor data quality at this position in the gnomAD database. This variant has not been reported in the literature in individuals affected with KARS-related conditions. Algorithms developed to predict the effect of missense changes on protein structure and function are either unavailable or do not agree on the potential impact of this missense change (SIFT: "Not Available"; PolyPhen-2: "Benign"; Align-GVGD: "Not Available"). In summary, the available evidence is currently insufficient to determine the role of this variant in disease. Therefore, it has been classified as a Variant of Uncertain Significance.